The following is an entry in ClinVar:

NM_004336.5(BUB1):c.842C>A (p.Ala281Glu)

Gene: BUB1 (BUB1 mitotic checkpoint serine/threonine kinase; minus strand). Cytogenetic location: 2q13.
Variant type: single nucleotide variant.
Coding change: c.842C>A on transcript NM_004336.5 (MANE Select); coding-DNA position 842, C replaced by A.
Protein change: p.Ala281Glu; replaces alanine 281 with glutamic acid.
Molecular consequence: missense variant.
Genome position (GRCh38, 1-based): chr2:110,666,378, G>T on the plus strand (C>A on the coding strand, the complement: BUB1 is on the minus strand). VCF-style: chr2-110666378-G-T. GRCh37 (hg19) VCF-style: chr2-111423955-G-T.
Other names: c.782C>A, p.Ala261Glu (NM_001278616.2); c.842C>A, p.Ala281Glu (NM_001278617.2); short protein forms A261E, A281E.
Identifiers: ClinVar variation 2464752 (VCV002464752.2), dbSNP rs1357727224, ClinGen allele CA348216846.

ClinVar aggregate classification (germline): Uncertain significance (1 of 4 stars; one submission).

gnomAD v4.1: 1 of 1,513,920 alleles (0.000066%); highest among the groups gnomAD compares: Non-Finnish European, 0.000089%; no homozygotes.

Submission:

Ambry Genetics
Classification: Uncertain significance. Last evaluated: 2022-11-19. Review status: criteria provided, single submitter. Criteria: Ambry Variant Classification Scheme 2023. Collection method: clinical testing. Allele origin: germline.
Comment: The p.A281E variant (also known as c.842C>A), located in coding exon 9 of the BUB1 gene, results from a C to A substitution at nucleotide position 842. The alanine at codon 281 is replaced by glutamic acid, an amino acid with dissimilar properties. This amino acid position is conserved. In addition, the in silico prediction for this alteration is inconclusive. Since supporting evidence is limited at this time, the clinical significance of this alteration remains unclear.